The following is an entry in ClinVar:

ClinVar aggregate classification (germline): Uncertain significance (1 of 4 stars; one submission).

Conditions:
Cystic fibrosis (CF). Also called: MUCOVISCIDOSIS. Identifiers: Orphanet 586, MedGen C0010674, MONDO:0009061, OMIM 219700. Disease mechanism: loss of function.

gnomAD v4.1: 1 of 1,613,188 alleles (0.000062%); highest among the groups gnomAD compares: East Asian, 0.0022%; no homozygotes.

Submission:

Ambry Genetics
Classification: Uncertain significance for Cystic fibrosis. Last evaluated: 2025-11-10. Review status: criteria provided, single submitter. Criteria: Ambry Variant Classification Scheme 2023. Collection method: clinical testing. Allele origin: germline.
Comment: The p.K1165R variant (also known as c.3494A>G), located in coding exon 22 of the CFTR gene, results from an A to G substitution at nucleotide position 3494. The lysine at codon 1165 is replaced by arginine, an amino acid with highly similar properties. This amino acid position is conserved. In addition, the in silico prediction for this alteration is inconclusive. Based on the available evidence, the clinical significance of this variant remains unclear.

NM_000492.4(CFTR):c.3494A>G (p.Lys1165Arg)

Genes: CFTR (CF transmembrane conductance regulator; plus strand), CFTR-AS2 (CFTR antisense RNA 2; minus strand). Cytogenetic location: 7q31.2.
Variant type: single nucleotide variant.
Coding change: c.3494A>G on transcript NM_000492.4 (MANE Select); coding-DNA position 3494, A replaced by G.
Protein change: p.Lys1165Arg; replaces lysine 1165 with arginine.
Molecular consequence: missense variant.
Genome position (GRCh38, 1-based): chr7:117,627,547, A>G. VCF-style: chr7-117627547-A-G. GRCh37 (hg19) VCF-style: chr7-117267601-A-G.
Other names: short protein forms K1165R.
Identifiers: ClinVar variation 4650158 (VCV004650158.1).